The following is an entry in ClinVar:

ClinVar aggregate classification (germline): Uncertain significance. Review status: criteria provided, multiple submitters, no conflicts (2 of 4 stars). 7 submissions from 6 submitters: Uncertain significance (6). 1 of the submissions does not count toward it. Last evaluated 2025-10-09.

Conditions:
Hereditary cancer-predisposing syndrome. Also called: Hereditary Cancer Syndrome; Neoplastic Syndromes, Hereditary; Tumor predisposition; Hereditary neoplastic syndrome. Identifiers: Orphanet 140162, MedGen C0027672, MeSH D009386, MONDO:0015356.
Familial cancer of breast. Also called: BREAST CANCER, FAMILIAL; Hereditary breast cancer; hereditary breast carcinoma. Identifiers: Orphanet 227535, MedGen C0346153, MONDO:0016419, OMIM 114480. Disease mechanism: loss of function.
Ataxia-telangiectasia syndrome (AT). Also called: Ataxia-telangiectasia, complementation group D; AT, COMPLEMENTATION GROUP C; ATAXIA-TELANGIECTASIA, COMPLEMENTATION GROUP A; ATAXIA-TELANGIECTASIA, FRESNO VARIANT; Ataxia-telangiectasia; LOUIS-BAR SYNDROME. Identifiers: Orphanet 100, MedGen C0004135, MONDO:0008840, OMIM 208900.

Allele frequency attached by ClinVar (database versions not stated): gnomAD exomes below 0.00001; gnomAD 0.00005; TOPMed 0.00006; ESP Exome Variant Server 0.00008.

Submissions (7):

Labcorp Genetics (formerly Invitae), Labcorp
Classification: Uncertain significance for Ataxia-telangiectasia syndrome. Last evaluated: 2025-10-09. Review status: criteria provided, single submitter. Criteria: Invitae Variant Classification Sherloc (09022015). Collection method: clinical testing. Allele origin: germline.
Comment: This sequence change replaces phenylalanine, which is neutral and non-polar, with serine, which is neutral and polar, at codon 239 of the ATM protein (p.Phe239Ser). This variant is present in population databases (rs143198946, gnomAD 0.004%). This variant has not been reported in the literature in individuals affected with ATM-related conditions. ClinVar contains an entry for this variant (Variation ID: 187667). Invitae Evidence Modeling of protein sequence and biophysical properties (such as structural, functional, and spatial information, amino acid conservation, physicochemical variation, residue mobility, and thermodynamic stability) indicates that this missense variant is not expected to disrupt ATM protein function with a negative predictive value of 95%. In summary, the available evidence is currently insufficient to determine the role of this variant in disease. Therefore, it has been classified as a Variant of Uncertain Significance.

Ambry Genetics
Classification: Uncertain significance for Hereditary cancer-predisposing syndrome. Last evaluated: 2024-07-31. Review status: criteria provided, single submitter. Criteria: Ambry Variant Classification Scheme 2023. Collection method: clinical testing. Allele origin: germline.
Comment: The p.F239S variant (also known as c.716T>C), located in coding exon 6 of the ATM gene, results from a T to C substitution at nucleotide position 716. The phenylalanine at codon 239 is replaced by serine, an amino acid with highly dissimilar properties. This amino acid position is highly conserved in available vertebrate species. In addition, the in silico prediction for this alteration is inconclusive. Since supporting evidence is limited at this time, the clinical significance of this alteration remains unclear.

Baylor Genetics
Classification: Uncertain significance for Familial cancer of breast. Last evaluated: 2023-12-19. Review status: criteria provided, single submitter. Criteria: ACMG Guidelines, 2015. Collection method: clinical testing. Allele origin: unknown.

GeneDx
Classification: Uncertain significance. Last evaluated: 2023-09-22. Review status: criteria provided, single submitter. Criteria: GeneDx Variant Classification Process June 2021. Collection method: clinical testing. Allele origin: germline. Affected: yes.
Comment: Not observed at significant frequency in large population cohorts (gnomAD); In silico analysis supports that this missense variant has a deleterious effect on protein structure/function; Has not been previously published as pathogenic or benign to our knowledge

Color Diagnostics, LLC DBA Color Health
Classification: Uncertain significance for Hereditary cancer-predisposing syndrome. Last evaluated: 2021-07-27. Review status: criteria provided, single submitter. Criteria: ACMG Guidelines, 2015. Collection method: clinical testing. Allele origin: germline.
Comment: This missense variant replaces phenylalanine with serine at codon 239 of the ATM protein. Computational prediction suggests that this variant may not impact protein structure and function (internally defined REVEL score threshold <= 0.5, PMID: 27666373). To our knowledge, functional studies have not been reported for this variant. This variant has not been reported in individuals affected with hereditary cancer in the literature. This variant has been identified in 2/282456 chromosomes in the general population by the Genome Aggregation Database (gnomAD). The available evidence is insufficient to determine the role of this variant in disease conclusively. Therefore, this variant is classified as a Variant of Uncertain Significance.

Baylor Genetics
Classification: Uncertain significance for Ataxia-telangiectasia syndrome. Last evaluated: 2019-10-08. Review status: criteria provided, single submitter. Criteria: ACMG Guidelines, 2015. Collection method: clinical testing. Allele origin: maternal. Affected: yes. Study: CSER-TexasKidsCanSeq.
Comment: This variant was determined to be of uncertain significance according to ACMG Guidelines, 2015 [PMID:25741868].

Natera, Inc.
Classification: Uncertain significance for Ataxia-telangiectasia. Last evaluated: 2020-03-10. Review status: no assertion criteria provided. Collection method: clinical testing. Allele origin: germline. Not counted in ClinVar's aggregate classification.

NM_000051.4(ATM):c.716T>C (p.Phe239Ser)

Gene: ATM (ATM serine/threonine kinase; plus strand). Cytogenetic location: 11q22.3.
Variant type: single nucleotide variant.
Coding change: c.716T>C on transcript NM_000051.4 (MANE Select); coding-DNA position 716, T replaced by C.
Protein change: p.Phe239Ser; replaces phenylalanine 239 with serine.
Molecular consequence: missense variant.
Genome position (GRCh38, 1-based): chr11:108,244,841, T>C. VCF-style: chr11-108244841-T-C. GRCh37 (hg19) VCF-style: chr11-108115568-T-C.
Other names: c.716T>C, p.Phe239Ser (NM_001351834.2); short protein forms F239S.
Identifiers: ClinVar variation 187667 (VCV000187667.22), dbSNP rs143198946, ClinGen allele CA198246.
Genomic context (GRCh38, chr11:108,244,841, plus strand): 5'-TTCACAGACAAGAAAAGAGCTCTTCAGGTCTAAATCATATCTTAGCAGCTCTTACTATCT[T>C]CCTCAAGACTTTGGCTGTCAACTTTCGAATTCGAGTGTGTGAATTAGGAGATGAAATTCT-3'
Protein context (NP_000042.3, residues 229-249): LNHILAALTI[Phe239Ser]LKTLAVNFRI